The following is an entry in ClinVar:

ClinVar aggregate classification (germline): Uncertain significance (1 of 4 stars; one submission).

Conditions:
Inborn genetic diseases. Identifiers: MedGen C0950123, MeSH D030342.

Submission:

Ambry Genetics
Classification: Uncertain significance for Inborn genetic diseases. Last evaluated: 2026-08-29. Review status: criteria provided, single submitter. Criteria: Ambry Variant Classification Scheme 2023. Collection method: clinical testing. Allele origin: germline.
Comment: The p.E1582D variant (also known as c.4746A>C), located in coding exon 1 of the SAMD9L gene, results from an A to C substitution at nucleotide position 4746. The glutamic acid at codon 1582 is replaced by aspartic acid, an amino acid with highly similar properties. This amino acid position is conserved. In addition, this alteration is predicted to be tolerated by in silico analysis. Based on the available evidence, the clinical significance of this variant remains unclear.

NM_152703.5(SAMD9L):c.4746A>C (p.Glu1582Asp)

Gene: SAMD9L (sterile alpha motif domain containing 9 like; minus strand). Cytogenetic location: 7q21.2.
Variant type: single nucleotide variant.
Coding change: c.4746A>C on transcript NM_152703.5 (MANE Select); coding-DNA position 4746, A replaced by C.
Protein change: p.Glu1582Asp; replaces glutamic acid 1582 with aspartic acid.
Molecular consequence: missense variant.
Genome position (GRCh38, 1-based): chr7:93,131,226, T>G on the plus strand (A>C on the coding strand, the complement: SAMD9L is on the minus strand). VCF-style: chr7-93131226-T-G. GRCh37 (hg19) VCF-style: chr7-92760539-T-G.
Other names: c.4746A>C, p.Glu1582Asp (NM_001303496.3, NM_001303497.3, NM_001303498.3 and 5 more transcripts); short protein forms E1582D.
Identifiers: ClinVar variation 5028974 (VCV005028974.1).
Genomic context (GRCh38, chr7:93,131,226, plus strand): 5'-AAATCATAAAGATATAAATAAACGTATTTGAACTACAGGTGATGTATTGTCTTAAATTAC[T>G]TCTATATCATATGCCAGAGGGCCTTCAATGGAAAATCCTAGGTAGAAAGACACTCTTTCT-3'
Protein context (NP_689916.2, residues 1572-1584): SIEGPLAYDI[Glu1582Asp]VI